The following is an entry in ClinVar:

ClinVar aggregate classification (germline): Uncertain significance (1 of 4 stars; one submission).

Conditions:
POLG-related disorder. Also called: POLG-Related Spectrum Disorders; POLG-related condition; POLG-Related Disorders. Identifiers: MedGen C4763519.

Submission:

PreventionGenetics, part of Exact Sciences
Classification: Uncertain significance for POLG-related condition. Last evaluated: 2023-03-24. Review status: criteria provided, single submitter. Criteria: ACMG Guidelines, 2015. Collection method: clinical testing. Allele origin: germline.
Comment: The POLG c.1533C>G variant is predicted to result in the amino acid substitution p.Ser511Arg. To our knowledge, this variant has not been reported in the literature or in a large population database, indicating this variant is rare. A different substitution of this amino acid (p.Ser511Asn) has been reported in a family with autosomal dominant progressive external ophthalmoplegia (Hudson et al. 2007. PubMed ID: 17420318). At this time, the clinical significance of c.1533C>G (p.Ser511Arg) is uncertain due to the absence of conclusive functional and genetic evidence.

NM_002693.3(POLG):c.1533C>G (p.Ser511Arg)

Gene: POLG (DNA polymerase gamma, catalytic subunit; minus strand). Cytogenetic location: 15q26.1.
Variant type: single nucleotide variant.
Coding change: c.1533C>G on transcript NM_002693.3 (MANE Select); coding-DNA position 1533, C replaced by G.
Protein change: p.Ser511Arg; replaces serine 511 with arginine.
Molecular consequence: missense variant.
Genome position (GRCh38, 1-based): chr15:89,326,964, G>C on the plus strand (C>G on the coding strand, the complement: POLG is on the minus strand). VCF-style: chr15-89326964-G-C. GRCh37 (hg19) VCF-style: chr15-89870195-G-C.
Other names: c.1533C>G, p.Ser511Arg (NM_001126131.2); short protein forms S511R.
Identifiers: ClinVar variation 2633356 (VCV002633356.1), dbSNP rs1225524682, ClinGen allele CA393760804.